The following is an entry in ClinVar:

ClinVar aggregate classification (germline): Likely benign (0 of 4 stars; one submission).

Conditions:
SNTG1-related disorder. Also called: SNTG1-related condition.

Submission:

PreventionGenetics, part of Exact Sciences
Classification: Likely benign for SNTG1-related condition. Last evaluated: 2023-12-19. Review status: no assertion criteria provided. Collection method: clinical testing. Allele origin: germline.
Comment: This variant is classified as likely benign based on ACMG/AMP sequence variant interpretation guidelines (Richards et al. 2015 PMID: 25741868, with internal and published modifications).

NM_018967.5(SNTG1):c.432T>C (p.Ala144=)

Gene: SNTG1 (syntrophin gamma 1; plus strand). Cytogenetic location: 8q11.21.
Variant type: single nucleotide variant.
Coding change: c.432T>C on transcript NM_018967.5 (MANE Select); coding-DNA position 432, T replaced by C.
Protein change: p.Ala144=; no amino-acid change (alanine 144 retained).
Molecular consequence: synonymous variant. On other transcripts: non-coding transcript variant (5).
Genome position (GRCh38, 1-based): chr8:50,502,846, T>C. VCF-style: chr8-50502846-T-C. GRCh37 (hg19) VCF-style: chr8-51415406-T-C.
Other names: c.432T>C, p.Ala144= (NM_001287813.3, NM_001287814.3, NM_001321773.2 and 4 more transcripts).
Identifiers: ClinVar variation 3031937 (VCV003031937.2), dbSNP rs2536414498, ClinGen allele CA460505487.
Genomic context (GRCh38, chr8:50,502,846, plus strand): 5'-TCTTCGGAATGCTGGAGAAGAAGTGACTCTAACAGTGTCATTTTTAAAAAGAGCACCTGC[T>C]TTCCTCAAACTCCCATTGAATGAAGATTGTGCATGTAAGCATTTATAAAGAATAGATAAA-3'
Protein context (NP_061840.1, residues 134-154): LTVSFLKRAP[Ala144=]FLKLPLNEDC